The following is an entry in ClinVar:

ClinVar aggregate classification (germline): Likely benign (1 of 4 stars; one submission).

Submission:

CeGaT Center for Human Genetics Tuebingen
Classification: Likely benign. Last evaluated: 2024-06-01. Review status: criteria provided, single submitter. Criteria: CeGaT Center For Human Genetics Tuebingen Variant Classification Criteria Version 2. Collection method: clinical testing. Allele origin: germline. Affected: yes. Observed: 1 variant allele.
Comment: TTN: PM2:Supporting, BP4, BP7

NM_001267550.2(TTN):c.93426C>T (p.Gly31142=)

Genes: TTN (titin; minus strand), TTN-AS1 (TTN antisense RNA 1; plus strand). Cytogenetic location: 2q31.2.
Variant type: single nucleotide variant.
Coding change: c.93426C>T on transcript NM_001267550.2 (MANE Select); coding-DNA position 93426, C replaced by T.
Protein change: p.Gly31142=; no amino-acid change (glycine 31142 retained).
Molecular consequence: synonymous variant.
Genome position (GRCh38, 1-based): chr2:178,548,200, G>A on the plus strand (C>T on the coding strand, the complement: TTN is on the minus strand). VCF-style: chr2-178548200-G-A. GRCh37 (hg19) VCF-style: chr2-179412927-G-A.
Other names: c.88503C>T, p.Gly29501= (NM_001256850.1); c.66231C>T, p.Gly22077= (NM_003319.4); c.85722C>T, p.Gly28574= (NM_133378.4); c.66606C>T, p.Gly22202= (NM_133432.3); c.66807C>T, p.Gly22269= (NM_133437.4).
Identifiers: ClinVar variation 3250771 (VCV003250771.18), dbSNP rs2469119143.
Genomic context (GRCh38, chr2:178,548,200, plus strand): 5'-TTCAACCCAGAAGTCAGATCCCTTTTGTCTCATTTCAAGCAGGTAGCCAGTGATCCGGCT[G>A]CCTCCATCGTGGTCAGGTTTAAGCCAAGCTAAGACTGCGGAGGATTTGCTAGTATCAACA-3'
Protein context (NP_001254479.2, residues 31132-31152): LAWLKPDHDG[Gly31142=]SRITGYLLEM